The following is an entry in ClinVar:

NM_006514.4(SCN10A):c.902A>C (p.Lys301Thr)

Gene: SCN10A (sodium voltage-gated channel alpha subunit 10; minus strand). Cytogenetic location: 3p22.2.
Variant type: single nucleotide variant.
Coding change: c.902A>C on transcript NM_006514.4 (MANE Select); coding-DNA position 902, A replaced by C.
Protein change: p.Lys301Thr; replaces lysine 301 with threonine.
Molecular consequence: missense variant.
Genome position (GRCh38, 1-based): chr3:38,760,729, T>G on the plus strand (A>C on the coding strand, the complement: SCN10A is on the minus strand). VCF-style: chr3-38760729-T-G. GRCh37 (hg19) VCF-style: chr3-38802220-T-G.
Other names: c.902A>C, p.Lys301Thr (NM_001293306.2, NM_001293307.2); short protein forms K301T.
Identifiers: ClinVar variation 3781269 (VCV003781269.4).

ClinVar aggregate classification (germline): Uncertain significance. Review status: criteria provided, multiple submitters, no conflicts (2 of 4 stars). 3 submissions from 3 submitters: Uncertain significance (3). Last evaluated 2025-09-21.

Conditions:
Cardiovascular phenotype. Identifiers: MedGen CN230736.
Brugada syndrome. Also called: Sudden unexplained nocturnal death syndrome; Sudden unexpected nocturnal death syndrome; Sudden Unexplained Death Syndrome; Sudden Unexplained Nocturnal Death Syndrome (SUNDS). Identifiers: Orphanet 130, MedGen C1142166, MONDO:0015263.

gnomAD v4.1: 39 of 1,613,812 alleles (0.0024%); highest among the groups gnomAD compares: Non-Finnish European, 0.0033%; no homozygotes.

Submissions (3):

Ambry Genetics
Classification: Uncertain significance for Cardiovascular phenotype. Last evaluated: 2025-09-21. Review status: criteria provided, single submitter. Criteria: Ambry Variant Classification Scheme 2023. Collection method: clinical testing. Allele origin: germline.
Comment: The p.K301T variant (also known as c.902A>C), located in coding exon 7 of the SCN10A gene, results from an A to C substitution at nucleotide position 902. The lysine at codon 301 is replaced by threonine, an amino acid with similar properties. This amino acid position is conserved. In addition, the in silico prediction for this alteration is inconclusive. Based on the available evidence, the clinical significance of this variant remains unclear.

Labcorp Genetics (formerly Invitae), Labcorp
Classification: Uncertain significance for Brugada syndrome. Last evaluated: 2025-08-29. Review status: criteria provided, single submitter. Criteria: Invitae Variant Classification Sherloc (09022015). Collection method: clinical testing. Allele origin: germline.
Comment: This sequence change replaces lysine, which is basic and polar, with threonine, which is neutral and polar, at codon 301 of the SCN10A protein (p.Lys301Thr). This variant is present in population databases (rs370912250, gnomAD 0.004%). This variant has not been reported in the literature in individuals affected with SCN10A-related conditions. ClinVar contains an entry for this variant (Variation ID: 3781269). Invitae Evidence Modeling of protein sequence and biophysical properties (such as structural, functional, and spatial information, amino acid conservation, physicochemical variation, residue mobility, and thermodynamic stability) indicates that this missense variant is not expected to disrupt SCN10A protein function with a negative predictive value of 80%. In summary, the available evidence is currently insufficient to determine the role of this variant in disease. Therefore, it has been classified as a Variant of Uncertain Significance.

GeneDx
Classification: Uncertain significance. Last evaluated: 2024-10-17. Review status: criteria provided, single submitter. Criteria: GeneDx Variant Classification Process June 2021. Collection method: clinical testing. Allele origin: germline. Affected: yes.
Comment: Not observed at significant frequency in large population cohorts (gnomAD); In silico analysis indicates that this missense variant does not alter protein structure/function; Has not been previously published as pathogenic or benign to our knowledge